The following is an entry in ClinVar:

ClinVar aggregate classification (germline): Likely benign. Review status: criteria provided, multiple submitters, no conflicts (2 of 4 stars). 3 submissions from 3 submitters: Likely benign (3). Last evaluated 2024-11-11.

Conditions:
Inborn genetic diseases. Identifiers: MedGen C0950123, MeSH D030342.

Allele frequency attached by ClinVar (database versions not stated): gnomAD exomes 0.00011 and 0.00013; ExAC 0.00014; TOPMed 0.00015; gnomAD 0.00019.
gnomAD v4.1: 185 of 1,610,024 alleles (0.011%); highest among the groups gnomAD compares: Non-Finnish European, 0.013%; no homozygotes.

Submissions (4):

Blueprint Genetics
Classification: Likely benign. Last evaluated: 2024-11-11. Review status: criteria provided, single submitter. Criteria: ACMG Guidelines, 2015. Collection method: clinical testing. Allele origin: germline.

CeGaT Center for Human Genetics Tuebingen
Classification: Likely benign. Last evaluated: 2024-09-01. Review status: criteria provided, single submitter. Criteria: CeGaT Center For Human Genetics Tuebingen Variant Classification Criteria Version 2. Collection method: clinical testing. Allele origin: germline. Affected: yes. Observed: 2 variant alleles.
Comment: NBEA: BP4, BS2

Ambry Genetics
Classification: Likely benign for Inborn genetic diseases. Last evaluated: 2023-06-22. Review status: criteria provided, single submitter. Criteria: Ambry Variant Classification Scheme 2023. Collection method: clinical testing. Allele origin: germline.

Dr. Peter K. Rogan Lab, Western University
No classification provided (evidence only). Condition: Gastric cancer. Review status: no classification provided. Collection method: in vitro. Allele origin: not applicable. Functional consequence: retained intron. Not counted in ClinVar's aggregate classification.

NM_001385012.1(NBEA):c.3875G>A (p.Arg1292Gln)

Gene: NBEA (neurobeachin; plus strand). Cytogenetic location: 13q13.3.
Variant type: single nucleotide variant.
Coding change: c.3875G>A on transcript NM_001385012.1 (MANE Select); coding-DNA position 3875, G replaced by A.
Protein change: p.Arg1292Gln; replaces arginine 1292 with glutamine.
Molecular consequence: missense variant.
Genome position (GRCh38, 1-based): chr13:35,161,763, G>A. VCF-style: chr13-35161763-G-A. GRCh37 (hg19) VCF-style: chr13-35735900-G-A.
Other names: NC_000013.10:g.35735900G>A; c.3875G>A, p.Arg1292Gln (NM_001379245.1, NM_015678.5); c.3875G>A (NM_015678.4); short protein forms R1292Q.
Identifiers: ClinVar variation 1675524 (VCV001675524.37), dbSNP rs200167940, ClinGen allele CA6946717.